The following is an entry in ClinVar:

ClinVar aggregate classification (germline): Uncertain significance. Review status: criteria provided, multiple submitters, no conflicts (2 of 4 stars). 3 submissions from 3 submitters: Uncertain significance (3). Last evaluated 2025-11-24.

Conditions:
Intellectual developmental disorder with poor growth and with or without seizures or ataxia. Identifiers: MedGen C5394135, MONDO:0032930, OMIM 618808.

Allele frequency attached by ClinVar (database versions not stated): gnomAD exomes 0.00002; gnomAD 0.00004; ExAC 0.00011; 1000 Genomes Project 0.00020; 1000 Genomes Project 30x 0.00031.
gnomAD v4.1: 50 of 1,610,248 alleles (0.0031%); highest among the groups gnomAD compares: East Asian, 0.06%; no homozygotes.

Submissions (3):

GeneDx
Classification: Uncertain significance. Last evaluated: 2025-11-24. Review status: criteria provided, single submitter. Criteria: GeneDx Variant Classification Process June 2021. Collection method: clinical testing. Allele origin: germline.
Comment: In silico analysis indicates that this missense variant does not alter protein structure/function; Has not been previously published as pathogenic or benign to our knowledge

Ambry Genetics
Classification: Uncertain significance. Last evaluated: 2025-09-01. Review status: criteria provided, single submitter. Criteria: Ambry Variant Classification Scheme 2023. Collection method: clinical testing. Allele origin: germline.

Juno Genomics, Hangzhou Juno Genomics, Inc
Classification: Uncertain significance for Intellectual developmental disorder with poor growth and with or without seizures or ataxia. Review status: criteria provided, single submitter. Criteria: ACMG Guidelines, 2015. Collection method: clinical testing. Allele origin: germline.
Comment: Absent from controls (or at extremely low frequency if recessive) in Genome Aggregation Database.;Missense variant in a gene that has a low rate of benign missense variation.

NM_001606.5(ABCA2):c.2860C>T (p.Arg954Cys)

Gene: ABCA2 (ATP binding cassette subfamily A member 2; minus strand). Cytogenetic location: 9q34.3.
Variant type: single nucleotide variant.
Coding change: c.2860C>T on transcript NM_001606.5 (MANE Select); coding-DNA position 2860, C replaced by T.
Protein change: p.Arg954Cys; replaces arginine 954 with cysteine.
Molecular consequence: missense variant.
Genome position (GRCh38, 1-based): chr9:137,016,637, G>A on the plus strand (C>T on the coding strand, the complement: ABCA2 is on the minus strand). VCF-style: chr9-137016637-G-A. GRCh37 (hg19) VCF-style: chr9-139911089-G-A.
Other names: c.2857C>T, p.Arg953Cys (NM_001411042.1); c.2950C>T, p.Arg984Cys (NM_212533.3); short protein forms R953C, R984C, R954C.
Identifiers: ClinVar variation 2387135 (VCV002387135.7), dbSNP rs546363333, ClinGen allele CA5354969.